The following is an entry in ClinVar:

ClinVar aggregate classification (germline): Uncertain significance. Review status: criteria provided, multiple submitters, no conflicts (2 of 4 stars). 2 submissions from 2 submitters: Uncertain significance (2). Last evaluated 2026-02-04.

Conditions:
Inborn genetic diseases. Identifiers: MedGen C0950123, MeSH D030342.

Allele frequency attached by ClinVar (database versions not stated): TOPMed 0.00002; gnomAD 0.00005; ExAC 0.00007; 1000 Genomes Project 30x 0.00016; 1000 Genomes Project 0.00020.

Submissions (2):

Labcorp Genetics (formerly Invitae), Labcorp
Classification: Uncertain significance. Last evaluated: 2026-02-04. Review status: criteria provided, single submitter. Criteria: Invitae Variant Classification Sherloc (09022015). Collection method: clinical testing. Allele origin: germline.
Comment: This sequence change replaces glutamine, which is neutral and polar, with glutamic acid, which is acidic and polar, at codon 259 of the MBD4 protein (p.Gln259Glu). This variant is present in population databases (rs571343772, gnomAD 0.09%). This variant has not been reported in the literature in individuals affected with MBD4-related conditions. ClinVar contains an entry for this variant (Variation ID: 2200853). An algorithm developed to predict the effect of missense changes on protein structure and function (PolyPhen-2) suggests that this variant is likely to be tolerated. In summary, the available evidence is currently insufficient to determine the role of this variant in disease. Therefore, it has been classified as a Variant of Uncertain Significance.

Ambry Genetics
Classification: Uncertain significance for Inborn genetic diseases. Last evaluated: 2025-01-15. Review status: criteria provided, single submitter. Criteria: Ambry Variant Classification Scheme 2023. Collection method: clinical testing. Allele origin: germline.
Comment: The p.Q259E variant (also known as c.775C>G), located in coding exon 3 of the MBD4 gene, results from a C to G substitution at nucleotide position 775. The glutamine at codon 259 is replaced by glutamic acid, an amino acid with highly similar properties. This amino acid position is not well conserved in available vertebrate species. In addition, this alteration is predicted to be tolerated by in silico analysis. Based on the available evidence, the clinical significance of this variant remains unclear.

NM_001276270.2(MBD4):c.775C>G (p.Gln259Glu)

Gene: MBD4 (methyl-CpG binding domain 4, DNA glycosylase; minus strand). Cytogenetic location: 3q21.3.
Variant type: single nucleotide variant.
Coding change: c.775C>G on transcript NM_001276270.2 (MANE Select); coding-DNA position 775, C replaced by G.
Protein change: p.Gln259Glu; replaces glutamine 259 with glutamic acid.
Molecular consequence: missense variant. On other transcripts: intron variant (1).
Genome position (GRCh38, 1-based): chr3:129,436,869, G>C on the plus strand (C>G on the coding strand, the complement: MBD4 is on the minus strand). VCF-style: chr3-129436869-G-C. GRCh37 (hg19) VCF-style: chr3-129155712-G-C.
Other names: c.775C>G, p.Gln259Glu (NM_001276271.2, NM_001276272.2, NM_003925.3); c.247+939C>G (NM_001276273.2); short protein forms Q259E.
Identifiers: ClinVar variation 2200853 (VCV002200853.5), dbSNP rs571343772, ClinGen allele CA2605471.